The following is an entry in ClinVar:

NM_000321.3(RB1):c.2213C>T (p.Thr738Ile)

Gene: RB1 (RB transcriptional corepressor 1; plus strand). Cytogenetic location: 13q14.2.
Variant type: single nucleotide variant.
Coding change: c.2213C>T on transcript NM_000321.3 (MANE Select); coding-DNA position 2213, C replaced by T.
Protein change: p.Thr738Ile; replaces threonine 738 with isoleucine.
Molecular consequence: missense variant.
Genome position (GRCh38, 1-based): chr13:48,464,999, C>T. VCF-style: chr13-48464999-C-T. GRCh37 (hg19) VCF-style: chr13-49039135-C-T.
Other names: c.2213C>T, p.Thr738Ile (NM_001407165.1); short protein forms T738I.
Identifiers: ClinVar variation 3943335 (VCV003943335.1).
Genomic context (GRCh38, chr13:48,464,999, plus strand): 5'-ATTTAACAAGTAAATTTTACTTTTTTTTTTTTTTTTTTTTTTTTACTGTTCTTCCTCAGA[C>T]ATTCAAACGTGTTTTGATCAAAGAAGAGGAGTATGATTCTATTATAGTATTCTATAACTC-3'
Protein context (NP_000312.2, residues 728-748): YKDLPHAVQE[Thr738Ile]FKRVLIKEEE

ClinVar aggregate classification (germline): Uncertain significance (1 of 4 stars; one submission).

Conditions:
Hereditary cancer-predisposing syndrome. Also called: Tumor predisposition; Hereditary neoplastic syndrome; Hereditary Cancer Syndrome; Neoplastic Syndromes, Hereditary. Identifiers: Orphanet 140162, MedGen C0027672, MeSH D009386, MONDO:0015356.

Submission:

Ambry Genetics
Classification: Uncertain significance for Hereditary cancer-predisposing syndrome. Last evaluated: 2025-03-28. Review status: criteria provided, single submitter. Criteria: Ambry Variant Classification Scheme 2023. Collection method: clinical testing. Allele origin: germline.
Comment: The p.T738I variant (also known as c.2213C>T), located in coding exon 22 of the RB1 gene, results from a C to T substitution at nucleotide position 2213. The threonine at codon 738 is replaced by isoleucine, an amino acid with similar properties. This amino acid position is conserved. In addition, this alteration is predicted to be deleterious by in silico analysis. Based on the available evidence, the clinical significance of this variant remains unclear.